The following is an entry in ClinVar:

NM_015338.6(ASXL1):c.4085C>G (p.Ala1362Gly)

Gene: ASXL1 (ASXL transcriptional regulator 1; plus strand). Cytogenetic location: 20q11.21.
Variant type: single nucleotide variant.
Coding change: c.4085C>G on transcript NM_015338.6 (MANE Select); coding-DNA position 4085, C replaced by G.
Protein change: p.Ala1362Gly; replaces alanine 1362 with glycine.
Molecular consequence: missense variant.
Genome position (GRCh38, 1-based): chr20:32,436,797, C>G. VCF-style: chr20-32436797-C-G. GRCh37 (hg19) VCF-style: chr20-31024600-C-G.
Other names: c.3902C>G, p.Ala1301Gly (NM_001363734.1); short protein forms A1362G, A1301G.
Identifiers: ClinVar variation 4843656 (VCV004843656.1).

ClinVar aggregate classification (germline): Uncertain significance (1 of 4 stars; one submission).

Conditions:
Inborn genetic diseases. Identifiers: MedGen C0950123, MeSH D030342.

Submission:

Ambry Genetics
Classification: Uncertain significance for Inborn genetic diseases. Last evaluated: 2025-12-29. Review status: criteria provided, single submitter. Criteria: Ambry Variant Classification Scheme 2023. Collection method: clinical testing. Allele origin: germline.
Comment: The p.A1362G variant (also known as c.4085C>G), located in coding exon 13 of the ASXL1 gene, results from a C to G substitution at nucleotide position 4085. The alanine at codon 1362 is replaced by glycine, an amino acid with similar properties. This amino acid position is conserved. In addition, this alteration is predicted to be tolerated by in silico analysis. Based on the available evidence, the clinical significance of this variant remains unclear.